The following is an entry in ClinVar:

ClinVar aggregate classification (germline): Uncertain significance (1 of 4 stars; one submission).

Conditions:
Neurofibromatosis, type 2 (SWNV). Also called: BILATERAL ACOUSTIC NEUROFIBROMATOSIS; NF2-Related Schwannomatosis; SCHWANNOMATOSIS, VESTIBULAR. Identifiers: Orphanet 637, MedGen C0027832, MONDO:0007039, OMIM 101000. Disease mechanism: loss of function.

Submission:

All of Us Research Program, National Institutes of Health
Classification: Uncertain significance for Neurofibromatosis, type 2. Last evaluated: 2023-09-04. Review status: criteria provided, single submitter. Criteria: ACMG Guidelines, 2015. Collection method: clinical testing. Allele origin: germline. Inheritance: Autosomal dominant inheritance. Observed: 1 variant allele, 1 heterozygote.
Comment: This missense variant replaces glutamine with histidine at codon 538 of the NF2 protein. Computational prediction is inconclusive regarding the impact of this variant on protein structure and function (internally defined REVEL score threshold 0.5 < inconclusive < 0.7, PMID: 27666373). To our knowledge, functional studies have not been reported for this variant. This variant has not been reported in individuals affected with NF2-related disorders in the literature. This variant has not been identified in the general population by the Genome Aggregation Database (gnomAD). The available evidence is insufficient to determine the role of this variant in disease conclusively. Therefore, this variant is classified as a Variant of Uncertain Significance.

This study involves interpretation of variants in research participants for the purpose of population health screening. Participant phenotype was not available at the time of variant classification. Additional details can be found in publication PMID: 35346344, PMCID: PMC8962531

NM_000268.4(NF2):c.1614G>C (p.Gln538His)

Gene: NF2 (NF2, moesin-ezrin-radixin like (MERLIN) tumor suppressor; plus strand). Cytogenetic location: 22q12.2.
Variant type: single nucleotide variant.
Coding change: c.1614G>C on transcript NM_000268.4 (MANE Select); coding-DNA position 1614, G replaced by C.
Protein change: p.Gln538His; replaces glutamine 538 with histidine.
Molecular consequence: missense variant. On other transcripts: intron variant (3).
Genome position (GRCh38, 1-based): chr22:29,681,478, G>C. VCF-style: chr22-29681478-G-C. GRCh37 (hg19) VCF-style: chr22-30077467-G-C.
Other names: c.1614G>C, p.Gln538His (NM_001407066.1, NM_016418.5, NM_181825.3 and 1 more transcripts); c.1383G>C, p.Gln461His (NM_001407067.1); c.1488G>C, p.Gln496His (NM_181828.3, NM_001407055.1); c.1491G>C, p.Gln497His (NM_181829.3, NM_001407054.1, NM_001407058.1); c.1365G>C, p.Gln455His (NM_181830.3, NM_181831.3, NM_001407063.1); c.1574+3155G>C (NM_001407060.1); c.448-13274G>C (NM_181833.3); c.1325+3155G>C (NM_001407064.1); and 4 more; short protein forms Q360H, Q452H, Q455H, Q461H, Q493H, Q496H, Q497H, Q500H.
Identifiers: ClinVar variation 3073311 (VCV003073311.1), dbSNP rs2067132598, ClinGen allele CA411150078.